The following is an entry in ClinVar:

ClinVar aggregate classification (germline): Likely pathogenic. Review status: criteria provided, multiple submitters, no conflicts (2 of 4 stars). 2 submissions from 2 submitters: Likely pathogenic (2). Last evaluated 2025-11-24.

Conditions:
Epilepsy, familial focal, with variable foci 3 (FFEVF3). Identifiers: MedGen C4310708, MONDO:0014925, OMIM 617118.

Allele frequency attached by ClinVar (database versions not stated): gnomAD exomes below 0.00001.
gnomAD v4.1: 1 of 1,600,742 alleles (0.000062%); highest among the groups gnomAD compares: Non-Finnish European, 0.000085%; no homozygotes.

Submissions (3):

Labcorp Genetics (formerly Invitae), Labcorp
Classification: Likely pathogenic for Epilepsy, familial focal, with variable foci 3. Last evaluated: 2025-11-24. Review status: criteria provided, single submitter. Criteria: Invitae Variant Classification Sherloc (09022015). Collection method: clinical testing. Allele origin: germline.
Comment: This sequence change affects an acceptor splice site in intron 4 of the NPRL3 gene. It is expected to disrupt RNA splicing. Variants that disrupt the donor or acceptor splice site typically lead to a loss of protein function (PMID: 16199547), and loss-of-function variants in NPRL3 are known to be pathogenic (PMID: 26285051, 26505888). This variant is not present in population databases (gnomAD no frequency). Disruption of this splice site has been observed in individual(s) with NPRL3-related conditions (internal data). ClinVar contains an entry for this variant (Variation ID: 1709951). Algorithms developed to predict the effect of sequence changes on RNA splicing suggest that this variant may disrupt the consensus splice site. In summary, the currently available evidence indicates that the variant is pathogenic, but additional data are needed to prove that conclusively. Therefore, this variant has been classified as Likely Pathogenic.

MGZ Medical Genetics Center
Classification: Likely pathogenic for Epilepsy, familial focal, with variable foci 3. Last evaluated: 2022-05-16. Review status: criteria provided, single submitter. Criteria: ACMG Guidelines, 2015. Collection method: clinical testing. Allele origin: germline. Affected: yes. Observed: 3 variant alleles.
Comment: ACMG criteria applied: PVS1_STR, PS4_SUP, PM2_SUP, PP1

Dr. Peter K. Rogan Lab, Western University
No classification provided (evidence only). Condition: Cervical cancer. Review status: no classification provided. Collection method: in vitro. Allele origin: not applicable. Functional consequence: skipped exon. Not counted in ClinVar's aggregate classification.

Literature cited by the submitters: PubMed 16199547 (cited by Labcorp Genetics (formerly Invitae), Labcorp); PubMed 26285051 (cited by Labcorp Genetics (formerly Invitae), Labcorp); PubMed 26505888 (cited by Labcorp Genetics (formerly Invitae), Labcorp).

NM_001077350.3(NPRL3):c.319-1G>A

Genes: HBA-LCR (alpha-globin locus control region; plus strand), NPRL3 (NPR3 like, GATOR1 complex subunit; minus strand). Cytogenetic location: 16p13.3.
Variant type: single nucleotide variant.
Coding change: c.319-1G>A on transcript NM_001077350.3 (MANE Select); the canonical splice acceptor site of the intron before coding-DNA position 319, G replaced by A.
Molecular consequence: splice acceptor variant. On other transcripts: intron variant (3).
Genome position (GRCh38, 1-based): chr16:117,376, C>T on the plus strand (G>A on the coding strand, the complement: NPRL3 is on the minus strand). VCF-style: chr16-117376-C-T. GRCh37 (hg19) VCF-style: chr16-167375-C-T.
Other names: NC_000016.9:g.167375C>T; c.85-1G>A (NM_001243247.2); c.318+1750G>A (NM_001243248.2, NM_001243249.2); c.-144-4601G>A (NM_001039476.3).
Identifiers: ClinVar variation 1709951 (VCV001709951.4), dbSNP rs1064795838, ClinGen allele CA393994881.